The following is an entry in ClinVar:

ClinVar aggregate classification (germline): Uncertain significance (1 of 4 stars; one submission).

Conditions:
Inborn genetic diseases. Identifiers: MedGen C0950123, MeSH D030342.

gnomAD v4.1: 1 of 1,586,944 alleles (0.000063%); highest among the groups gnomAD compares: Non-Finnish European, 0.000086%; no homozygotes.

Submission:

Ambry Genetics
Classification: Uncertain significance for Inborn genetic diseases. Last evaluated: 2024-12-03. Review status: criteria provided, single submitter. Criteria: Ambry Variant Classification Scheme 2023. Collection method: clinical testing. Allele origin: germline.
Comment: The p.K102I variant (also known as c.305A>T), located in coding exon 2 of the GATA2 gene, results from an A to T substitution at nucleotide position 305. The lysine at codon 102 is replaced by isoleucine, an amino acid with dissimilar properties. This amino acid position is conserved. In addition, this alteration is predicted to be deleterious by in silico analysis. Based on the available evidence, the clinical significance of this variant remains unclear.

NM_032638.5(GATA2):c.305A>T (p.Lys102Ile)

Gene: GATA2 (GATA binding protein 2; minus strand). Cytogenetic location: 3q21.3.
Variant type: single nucleotide variant.
Coding change: c.305A>T on transcript NM_032638.5 (MANE Select); coding-DNA position 305, A replaced by T.
Protein change: p.Lys102Ile; replaces lysine 102 with isoleucine.
Molecular consequence: missense variant.
Genome position (GRCh38, 1-based): chr3:128,486,293, T>A on the plus strand (A>T on the coding strand, the complement: GATA2 is on the minus strand). VCF-style: chr3-128486293-T-A. GRCh37 (hg19) VCF-style: chr3-128205136-T-A.
Other names: c.305A>T, p.Lys102Ile (NM_001145661.2, NM_001145662.1); short protein forms K102I.
Identifiers: ClinVar variation 3519005 (VCV003519005.1).
Genomic context (GRCh38, chr3:128,486,293, plus strand): 5'-GAGAAGGGGCTCACGGTCCAGGGGTTGTGGTGGTGGGCCGCAGCGGCAGAGAGGGCTGCT[T>A]TGCCCCCGTCCAGCCAGGGCAAACCCGGGCTGTGCAACAAGTGTGGGCGGCACATCTGGC-3'
Protein context (NP_116027.2, residues 92-112): SPGLPWLDGG[Lys102Ile]AALSAAAAHH